The following is an entry in ClinVar:

ClinVar aggregate classification (germline): Uncertain significance (1 of 4 stars; one submission).

Allele frequency attached by ClinVar (database versions not stated): gnomAD exomes below 0.00001 and 0.00001; gnomAD 0.00001; ExAC 0.00002; 1000 Genomes Project 30x 0.00016; 1000 Genomes Project 0.00020.
gnomAD v4.1: 4 of 1,600,820 alleles (0.00025%); highest among the groups gnomAD compares: South Asian, 0.0022%; no homozygotes.

Submission:

Labcorp Genetics (formerly Invitae), Labcorp
Classification: Uncertain significance. Last evaluated: 2022-08-31. Review status: criteria provided, single submitter. Criteria: Invitae Variant Classification Sherloc (09022015). Collection method: clinical testing. Allele origin: germline.
Comment: This sequence change replaces isoleucine, which is neutral and non-polar, with methionine, which is neutral and non-polar, at codon 713 of the PLK4 protein (p.Ile713Met). This variant is present in population databases (rs529984614, gnomAD 0.007%). This variant has not been reported in the literature in individuals affected with PLK4-related conditions. ClinVar contains an entry for this variant (Variation ID: 1478058). Algorithms developed to predict the effect of missense changes on protein structure and function (SIFT, PolyPhen-2, Align-GVGD) all suggest that this variant is likely to be tolerated. In summary, the available evidence is currently insufficient to determine the role of this variant in disease. Therefore, it has been classified as a Variant of Uncertain Significance.

NM_014264.5(PLK4):c.2139T>G (p.Ile713Met)

Gene: PLK4 (polo like kinase 4; plus strand). Cytogenetic location: 4q28.1.
Variant type: single nucleotide variant.
Coding change: c.2139T>G on transcript NM_014264.5 (MANE Select); coding-DNA position 2139, T replaced by G.
Protein change: p.Ile713Met; replaces isoleucine 713 with methionine.
Molecular consequence: missense variant.
Genome position (GRCh38, 1-based): chr4:127,892,465, T>G. VCF-style: chr4-127892465-T-G. GRCh37 (hg19) VCF-style: chr4-128813620-T-G.
Other names: c.2043T>G, p.Ile681Met (NM_001190799.2); c.2016T>G, p.Ile672Met (NM_001190801.2); short protein forms I672M, I681M, I713M.
Identifiers: ClinVar variation 1478058 (VCV001478058.8), dbSNP rs529984614, ClinGen allele CA3076955.